The following is an entry in ClinVar:

ClinVar aggregate classification (germline): Conflicting classifications of pathogenicity. Review status: criteria provided, conflicting classifications (1 of 4 stars). 4 submissions from 4 submitters: Uncertain significance (1); Likely benign (2). 1 of the submissions does not count toward it. Last evaluated 2025-11-10.

Conditions:
TECTA-related disorder. Also called: TECTA-related condition.

Allele frequency attached by ClinVar (database versions not stated): ExAC 0.00003; gnomAD exomes 0.00005 and 0.00007; TOPMed 0.00007; gnomAD 0.00011.
gnomAD v4.1: 114 of 1,614,096 alleles (0.0071%); highest among the groups gnomAD compares: Non-Finnish European, 0.0092%; no homozygotes.

Submissions (4):

Labcorp Genetics (formerly Invitae), Labcorp
Classification: Likely benign. Last evaluated: 2025-11-10. Review status: criteria provided, single submitter. Criteria: Invitae Variant Classification Sherloc (09022015). Collection method: clinical testing. Allele origin: germline.

CeGaT Center for Human Genetics Tuebingen
Classification: Likely benign. Last evaluated: 2025-03-01. Review status: criteria provided, single submitter. Criteria: CeGaT Center For Human Genetics Tuebingen Variant Classification Criteria Version 2. Collection method: clinical testing. Allele origin: germline. Affected: yes. Observed: 1 variant allele.
Comment: TECTA: BP4, BP7

GeneDx
Classification: Uncertain significance. Last evaluated: 2023-07-13. Review status: criteria provided, single submitter. Criteria: GeneDx Variant Classification Process June 2021. Collection method: clinical testing. Allele origin: germline. Affected: yes.
Comment: Has not been previously published as pathogenic or benign to our knowledge; In silico analysis supports that this variant does not alter splicing

PreventionGenetics, part of Exact Sciences
Classification: Likely benign for TECTA-related condition. Last evaluated: 2019-08-26. Review status: no assertion criteria provided. Collection method: clinical testing. Allele origin: germline. Not counted in ClinVar's aggregate classification.
Comment: This variant is classified as likely benign based on ACMG/AMP sequence variant interpretation guidelines (Richards et al. 2015 PMID: 25741868, with internal and published modifications).

NM_005422.4(TECTA):c.4824C>T (p.Ile1608=)

Genes: TBCEL-TECTA (TBCEL-TECTA readthrough; plus strand), TECTA (tectorin alpha; plus strand). Cytogenetic location: 11q23.3.
Variant type: single nucleotide variant.
Coding change: c.4824C>T on transcript NM_005422.4 (MANE Select); coding-DNA position 4824, C replaced by T.
Protein change: p.Ile1608=; no amino-acid change (isoleucine 1608 retained).
Molecular consequence: synonymous variant.
Genome position (GRCh38, 1-based): chr11:121,160,269, C>T. VCF-style: chr11-121160269-C-T. GRCh37 (hg19) VCF-style: chr11-121030978-C-T.
Other names: c.5781C>T, p.Ile1927= (NM_001378761.1).
Identifiers: ClinVar variation 1206887 (VCV001206887.21), dbSNP rs747713348, ClinGen allele CA6327574.